The following is an entry in ClinVar:

ClinVar aggregate classification (germline): Uncertain significance. Review status: criteria provided, multiple submitters, no conflicts (2 of 4 stars). 2 submissions from 2 submitters: Uncertain significance (2). Last evaluated 2022-05-08.

Conditions:
Congenital disorder of glycosylation, type Ii. Also called: ALG2-congenital disorder of glycosylation; ALG2-CDG; CDG Ii. Identifiers: Orphanet 79326, MedGen C1842836, MONDO:0011933, OMIM 607906.
Congenital myasthenic syndrome 14. Also called: Myasthenic syndrome, congenital, 14, with tubular aggregates. Identifiers: Orphanet 353327, Orphanet 590, MedGen C4015597, MONDO:0014543, OMIM 616228.

Allele frequency attached by ClinVar (database versions not stated): TOPMed 0.00008; gnomAD exomes 0.00005 and 0.00004; gnomAD 0.00005 and 0.00006; ExAC 0.00002; ESP Exome Variant Server 0.00008.
gnomAD v4.1: 84 of 1,614,018 alleles (0.0052%); highest among the groups gnomAD compares: Admixed American, 0.0083%; no homozygotes.

Submissions (2):

Labcorp Genetics (formerly Invitae), Labcorp
Classification: Uncertain significance for Congenital disorder of glycosylation, type Ii; Congenital myasthenic syndrome 14. Last evaluated: 2022-05-08. Review status: criteria provided, single submitter. Criteria: Invitae Variant Classification Sherloc (09022015). Collection method: clinical testing. Allele origin: germline.
Comment: This sequence change replaces phenylalanine, which is neutral and non-polar, with serine, which is neutral and polar, at codon 150 of the ALG2 protein (p.Phe150Ser). This variant is present in population databases (rs377047079, gnomAD 0.009%). This variant has not been reported in the literature in individuals affected with ALG2-related conditions. ClinVar contains an entry for this variant (Variation ID: 575832). Algorithms developed to predict the effect of missense changes on protein structure and function output the following: SIFT: "Tolerated"; PolyPhen-2: "Benign"; Align-GVGD: "Class C0". The serine amino acid residue is found in multiple mammalian species, which suggests that this missense change does not adversely affect protein function. In summary, the available evidence is currently insufficient to determine the role of this variant in disease. Therefore, it has been classified as a Variant of Uncertain Significance.

Baylor Genetics
Classification: Uncertain significance for Congenital disorder of glycosylation, type Ii. Last evaluated: 2018-03-23. Review status: criteria provided, single submitter. Criteria: ACMG Guidelines, 2015. Collection method: clinical testing. Allele origin: maternal. Affected: yes.
Comment: This variant was determined to be of uncertain significance according to ACMG Guidelines, 2015 [PMID:25741868].

NM_033087.4(ALG2):c.449T>C (p.Phe150Ser)

Gene: ALG2 (ALG2 alpha-1,3/1,6-mannosyltransferase; minus strand). Cytogenetic location: 9q22.33.
Variant type: single nucleotide variant.
Coding change: c.449T>C on transcript NM_033087.4 (MANE Select); coding-DNA position 449, T replaced by C.
Protein change: p.Phe150Ser; replaces phenylalanine 150 with serine.
Molecular consequence: missense variant. On other transcripts: non-coding transcript variant (1).
Genome position (GRCh38, 1-based): chr9:99,218,736, A>G on the plus strand (T>C on the coding strand, the complement: ALG2 is on the minus strand). VCF-style: chr9-99218736-A-G. GRCh37 (hg19) VCF-style: chr9-101981018-A-G.
Other names: short protein forms F150S.
Identifiers: ClinVar variation 575832 (VCV000575832.9), dbSNP rs377047079, ClinGen allele CA5156320.